The following is an entry in ClinVar:

NM_000140.5(FECH):c.804+5G>A

Gene: FECH (ferrochelatase; minus strand). Cytogenetic location: 18q21.31.
Variant type: single nucleotide variant.
Coding change: c.804+5G>A on transcript NM_000140.5 (MANE Select); 5 bases into the intron after coding-DNA position 804, G replaced by A.
Molecular consequence: intron variant.
Genome position (GRCh38, 1-based): chr18:57,559,140, C>T on the plus strand (G>A on the coding strand, the complement: FECH is on the minus strand). VCF-style: chr18-57559140-C-T. GRCh37 (hg19) VCF-style: chr18-55226372-C-T.
Other names: c.705+3734G>A (NM_001371094.1); c.804+5G>A (NM_001374778.1); c.822+5G>A (NM_001012515.4); c.588+5G>A (NM_001371095.1).
Identifiers: ClinVar variation 2736735 (VCV002736735.3), dbSNP rs2511524359, ClinGen allele CA2695227569.
Genomic context (GRCh38, chr18:57,559,140, plus strand): 5'-CATTTAGAAAATGAAATCACCCAATCCTCTATCACTAGGTCATCCCAGAAAATGTTCTTA[C>T]TTACAGACATGGGCAGTGAGTGAGCAGAAAACAGAATGACCACCTCGCTTCTCTTCTCAA-3'

ClinVar aggregate classification (germline): Uncertain significance (1 of 4 stars; one submission).

Submission:

Labcorp Genetics (formerly Invitae), Labcorp
Classification: Uncertain significance. Last evaluated: 2023-10-05. Review status: criteria provided, single submitter. Criteria: Invitae Variant Classification Sherloc (09022015). Collection method: clinical testing. Allele origin: germline.
Comment: This sequence change falls in intron 7 of the FECH gene. It does not directly change the encoded amino acid sequence of the FECH protein. It affects a nucleotide within the consensus splice site. This variant is not present in population databases (gnomAD no frequency). This variant has been observed in individual(s) with erythropoietic protoporphyria (PMID: 7918679). Variants that disrupt the consensus splice site are a relatively common cause of aberrant splicing (PMID: 17576681, 9536098). Algorithms developed to predict the effect of sequence changes on RNA splicing suggest that this variant may disrupt the consensus splice site. In summary, the available evidence is currently insufficient to determine the role of this variant in disease. Therefore, it has been classified as a Variant of Uncertain Significance.

Literature cited by the submitters: PubMed 7918679; PubMed 17576681; PubMed 9536098.